The following is an entry in ClinVar:

ClinVar aggregate classification (germline): Likely benign. Review status: criteria provided, multiple submitters, no conflicts (2 of 4 stars). 3 submissions from 3 submitters: Likely benign (3). Last evaluated 2025-03-04.

Conditions:
Aneurysm-osteoarthritis syndrome. Also called: LOEYS-DIETZ SYNDROME WITH OSTEOARTHRITIS; SMAD3-Related Loeys-Dietz Syndrome; Loeys-Dietz syndrome, type 1C; ANEURYSMS-OSTEOARTHRITIS SYNDROME. Identifiers: Orphanet 284984, MedGen C3151087, MONDO:0013426, OMIM 613795.
Familial thoracic aortic aneurysm and aortic dissection (TAAD). Also called: Thoracic aortic aneurysms and dissections. Identifiers: Orphanet 91387, MedGen C4707243, MONDO:0019625.

Allele frequency attached by ClinVar (database versions not stated): TOPMed below 0.00001; gnomAD 0.00001; gnomAD exomes 0.00001; ExAC 0.00002.
gnomAD v4.1: 5 of 1,613,746 alleles (0.00031%); highest among the groups gnomAD compares: East Asian, 0.011%; no homozygotes.

Submissions (3):

Labcorp Genetics (formerly Invitae), Labcorp
Classification: Likely benign for Familial thoracic aortic aneurysm and aortic dissection. Last evaluated: 2025-03-04. Review status: criteria provided, single submitter. Criteria: Invitae Variant Classification Sherloc (09022015). Collection method: clinical testing. Allele origin: germline.

All of Us Research Program, National Institutes of Health
Classification: Likely benign for Aneurysm-osteoarthritis syndrome. Last evaluated: 2023-10-23. Review status: criteria provided, single submitter. Criteria: ACMG Guidelines, 2015. Collection method: clinical testing. Allele origin: germline. Inheritance: Autosomal dominant inheritance. Observed: 2 variant alleles, 2 heterozygotes.
Comment: This study involves interpretation of variants in research participants for the purpose of population health screening. Participant phenotype was not available at the time of variant classification. Additional details can be found in publication PMID: 35346344, PMCID: PMC8962531

Color Diagnostics, LLC DBA Color Health
Classification: Likely benign for Familial thoracic aortic aneurysm and aortic dissection. Last evaluated: 2018-12-03. Review status: criteria provided, single submitter. Criteria: ACMG Guidelines, 2015. Collection method: clinical testing. Allele origin: germline.

NM_005902.4(SMAD3):c.648T>C (p.His216=)

Gene: SMAD3 (SMAD family member 3; plus strand). Cytogenetic location: 15q22.33.
Variant type: single nucleotide variant.
Coding change: c.648T>C on transcript NM_005902.4 (MANE Select); coding-DNA position 648, T replaced by C.
Protein change: p.His216=; no amino-acid change (histidine 216 retained).
Molecular consequence: synonymous variant.
Genome position (GRCh38, 1-based): chr15:67,170,594, T>C. VCF-style: chr15-67170594-T-C. GRCh37 (hg19) VCF-style: chr15-67462932-T-C.
Other names: c.333T>C, p.His111= (NM_001145102.2); c.516T>C, p.His172= (NM_001145103.2); c.63T>C, p.His21= (NM_001145104.2).
Identifiers: ClinVar variation 925594 (VCV000925594.7), dbSNP rs776900159, ClinGen allele CA062454.